The following is an entry in ClinVar:

NM_000059.4(BRCA2):c.3567dup (p.Arg1190fs)

Gene: BRCA2 (BRCA2 DNA repair associated; plus strand). Cytogenetic location: 13q13.1.
Variant type: Duplication.
Coding change: c.3567dup on transcript NM_000059.4 (MANE Select); coding-DNA position 3567, one base duplicated (A; older notation c.3567dupA).
Protein change: p.Arg1190fs; shifts the reading frame from arginine 1190.
Molecular consequence: frameshift variant. On other transcripts: non-coding transcript variant (1), intron variant (2).
Genome position (GRCh38, 1-based): chr13:32,337,922, A duplicated; the last of 3 consecutive A bases (chr13:32,337,920-32,337,922); duplicating any one gives the same sequence. VCF-style (leftmost placement, unchanged base first): chr13-32337919-T-TA. GRCh37 (hg19) VCF-style: chr13-32912056-T-TA.
Other names: c.3567dup, p.Arg1190fs (NM_001406719.1, NM_001406720.1); c.1909+4535dup (NM_001406721.1); c.425-6636dup (NM_001406722.1); short protein forms R1190fs.
Identifiers: ClinVar variation 2674509 (VCV002674509.1), dbSNP rs2548526233, ClinGen allele CA2695199695.
Genomic context (GRCh38, chr13:32,337,919, plus strand): 5'-GAATGCCCCATCGATTGGTCAGGTAGACAGCAGCAAGCAATTTGAAGGTACAGTTGAAAT[T>TA]AAACGGAAGTTTGCTGGCCTGTTGAAAAATGACTGTAACAAAAGTGCTTCTGGTTATTTA-3'

ClinVar aggregate classification (germline): Pathogenic (1 of 4 stars; one submission).

Conditions:
Breast-ovarian cancer, familial, susceptibility to, 2 (BROVCA2). Also called: BRCA2 Hereditary Breast and Ovarian Cancer. Identifiers: Orphanet 145, MedGen C2675520, MONDO:0012933, OMIM 612555. Disease mechanism: loss of function.

Submission:

Myriad Genetics, Inc.
Classification: Pathogenic for Breast-ovarian cancer, familial, susceptibility to, 2. Last evaluated: 2023-07-25. Review status: criteria provided, single submitter. Criteria: Myriad Autosomal Dominant, Autosomal Recessive and X-Linked Classification Criteria (2023). Collection method: clinical testing. Allele origin: unknown.
Comment: This variant is considered pathogenic. This variant creates a frameshift predicted to result in premature protein truncation.